The following is an entry in ClinVar:

ClinVar aggregate classification (germline): Uncertain significance (1 of 4 stars; one submission).

Conditions:
Cardiovascular phenotype. Identifiers: MedGen CN230736.

Submission:

Ambry Genetics
Classification: Uncertain significance for Cardiovascular phenotype. Last evaluated: 2021-11-16. Review status: criteria provided, single submitter. Criteria: Ambry Variant Classification Scheme 2023. Collection method: clinical testing. Allele origin: germline.
Comment: The c.2792+5A>G intronic variant results from an A to G substitution 5 nucleotides after coding exon 20 in the LAMA4 gene. This nucleotide position is not well conserved in available vertebrate species. In silico splice site analysis predicts that this alteration will not have any significant effect on splicing. The evidence for this gene-disease relationship is limited; therefore, the clinical significance of this alteration is unclear.

NM_001105206.3(LAMA4):c.2813+5A>G

Genes: LAMA4 (laminin subunit alpha 4; minus strand), LOC126859766 (MED14-independent group 3 enhancer GRCh37_chr6:112462018-112463217; plus strand). Cytogenetic location: 6q21.
Variant type: single nucleotide variant.
Coding change: c.2813+5A>G on transcript NM_001105206.3 (MANE Select); 5 bases into the intron after coding-DNA position 2813, A replaced by G.
Molecular consequence: intron variant.
Genome position (GRCh38, 1-based): chr6:112,141,353, T>C on the plus strand (A>G on the coding strand, the complement: LAMA4 is on the minus strand). VCF-style: chr6-112141353-T-C. GRCh37 (hg19) VCF-style: chr6-112462555-T-C.
Other names: c.2792+5A>G (NM_002290.5, NM_001105207.3).
Identifiers: ClinVar variation 1796060 (VCV001796060.2), dbSNP rs2547026073, ClinGen allele CA2580074844.